The following is an entry in ClinVar:

ClinVar aggregate classification (germline): Uncertain significance (1 of 4 stars; one submission).

Conditions:
Hereditary sensory and autonomic neuropathy type 6. Also called: HSAN VI; Neuropathy, hereditary sensory and autonomic, type VI. Identifiers: Orphanet 314381, MedGen C3539003, MONDO:0013839, OMIM 614653.

Allele frequency attached by ClinVar (database versions not stated): gnomAD exomes below 0.00001.
gnomAD v4.1: 1 of 1,612,228 alleles (0.000062%); highest among the groups gnomAD compares: Non-Finnish European, 0.000085%; no homozygotes.

Submission:

Baylor Genetics
Classification: Uncertain significance for Hereditary sensory and autonomic neuropathy type 6. Last evaluated: 2018-03-02. Review status: criteria provided, single submitter. Criteria: ACMG Guidelines, 2015. Collection method: clinical testing. Allele origin: maternal. Affected: yes.
Comment: This variant was determined to be of uncertain significance according to ACMG Guidelines, 2015 [PMID:25741868].

NM_001374736.1(DST):c.4912A>G (p.Arg1638Gly)

Gene: DST (dystonin; minus strand). Cytogenetic location: 6p12.1.
Variant type: single nucleotide variant.
Coding change: c.4912A>G on transcript NM_001374736.1 (MANE Select); coding-DNA position 4912, A replaced by G.
Protein change: p.Arg1638Gly; replaces arginine 1638 with glycine.
Molecular consequence: missense variant.
Genome position (GRCh38, 1-based): chr6:56,624,547, T>C on the plus strand (A>G on the coding strand, the complement: DST is on the minus strand). VCF-style: chr6-56624547-T-C. GRCh37 (hg19) VCF-style: chr6-56489345-T-C.
Other names: c.4813A>G, p.Arg1605Gly (NM_001144769.5); c.4399A>G, p.Arg1467Gly (NM_001144770.2); c.4912A>G, p.Arg1638Gly (NM_001374722.1); c.4279A>G, p.Arg1427Gly (NM_001374729.1, NM_001374730.1, NM_001386100.1 and 1 more transcripts); c.4939A>G, p.Arg1647Gly (NM_001374734.1); c.3301A>G, p.Arg1101Gly (NM_001723.7, NM_015548.5); short protein forms R1467G, R1605G, R1101G, R1427G, R1647G, R1638G.
Identifiers: ClinVar variation 1033444 (VCV001033444.1), dbSNP rs912296531, ClinGen allele CA139212004.